The following is an entry in ClinVar:

ClinVar aggregate classification (germline): Conflicting classifications of pathogenicity. Review status: criteria provided, conflicting classifications (1 of 4 stars). 5 submissions from 5 submitters: Likely pathogenic (4); Uncertain significance (1). Last evaluated 2026-04-23.

Conditions:
Hereditary hemorrhagic telangiectasia (HHT). Also called: ORW DISEASE; Osler Weber Rendu syndrome; OSLER-RENDU-WEBER DISEASE; Osler hemorrhagic telangiectasia syndrome. Identifiers: Orphanet 774, MedGen C0039445, MONDO:0019180. Disease mechanism: loss of function.
Cardiovascular phenotype. Identifiers: MedGen CN230736.
Telangiectasia, hereditary hemorrhagic, type 1 (HHT1). Also called: Osler Weber Rendu syndrome type 1; ENG-Related Hereditary Hemorrhagic Telangiectasia. Identifiers: Orphanet 774, MedGen C4551861, MONDO:0008535, OMIM 187300. Disease mechanism: loss of function.

Submissions (5):

GeneDx
Classification: Uncertain significance. Last evaluated: 2026-04-23. Review status: criteria provided, single submitter. Criteria: GeneDx Variant Classification Process June 2021. Collection method: clinical testing. Allele origin: germline.
Comment: In-frame deletion of 2 amino acids in a non-repeat region; Not observed at significant frequency in large population cohorts (gnomAD); In silico analysis suggests that this variant does not alter protein structure/function; This variant is associated with the following publications: (PMID: 21158752, 15024723)

Labcorp Genetics (formerly Invitae), Labcorp
Classification: Likely pathogenic for Hereditary hemorrhagic telangiectasia. Last evaluated: 2025-03-31. Review status: criteria provided, single submitter. Criteria: Invitae Variant Classification Sherloc (09022015). Collection method: clinical testing. Allele origin: germline.
Comment: This variant, c.694_699del, results in the deletion of 2 amino acid(s) of the ENG protein (p.Arg232_Thr233del), but otherwise preserves the integrity of the reading frame. This variant is not present in population databases (gnomAD no frequency). This variant has been observed in individual(s) with hereditary hemorrhagic telangiectasia (PMID: 15024723, 21158752; internal data). ClinVar contains an entry for this variant (Variation ID: 1163503). Experimental studies and prediction algorithms are not available or were not evaluated, and the functional significance of this variant is currently unknown. This variant disrupts a region of the ENG protein in which other variant(s) (p.Thr233del) have been observed in individuals with ENG-related conditions (internal data). This suggests that this is a clinically significant region of the protein, and that variants that disrupt it are likely to be disease-causing. In summary, the currently available evidence indicates that the variant is pathogenic, but additional data are needed to prove that conclusively. Therefore, this variant has been classified as Likely Pathogenic.

Impact Genetics, Dynacare/LabCorp
Classification: Likely pathogenic for Telangiectasia, hereditary hemorrhagic, type 1. Last evaluated: 2025-03-06. Review status: criteria provided, single submitter. Criteria: DeMille et al. (Hum Mutat. 2024). Collection method: clinical testing. Allele origin: germline.
Comment: PM2_supporting, PM4, PS4_Moderate, PP4

Ambry Genetics
Classification: Likely pathogenic for Cardiovascular phenotype. Last evaluated: 2022-06-01. Review status: criteria provided, single submitter. Criteria: Ambry Variant Classification Scheme 2023. Collection method: clinical testing. Allele origin: germline.
Comment: The c.694_699delCGGACG variant (also known as p.R232_T233del) is located in coding exon 6 of the ENG gene. This variant results from an in-frame CGGACG deletion at nucleotide positions 694 to 699. This results in the in-frame deletion of arginine and threonine at codons 232 to 233. This variant has been reported in individuals and families with hereditary hemorrhagic telangiectasia (HHT) (Lesca G et al. Hum Mutat, 2004 Apr;23:289-99; McDonald J et al. Clin Genet, 2011 Apr;79:335-44). This amino acid region is not well conserved in available vertebrate species. In addition, this alteration is predicted to be deleterious by in silico analysis (Choi Y et al. PLoS ONE. 2012; 7(10):e46688). Based on the majority of available evidence to date, this variant is likely to be pathogenic.

Mayo Clinic Laboratories, Mayo Clinic
Classification: Likely pathogenic. Last evaluated: 2020-07-21. Review status: criteria provided, single submitter. Criteria: ACMG Guidelines, 2015. Collection method: clinical testing. Allele origin: germline. Observed: 1 variant allele.
Comment: PM2; PM4. PS4_Moderate, PP4

Literature cited by the submitters: PubMed 15024723 (cited by 4 submitters); PubMed 21158752 (cited by 3 submitters); PubMed 15266205 (cited by Ambry Genetics).

NM_001114753.3(ENG):c.694_699del (p.Arg232_Thr233del)

Gene: ENG (endoglin; minus strand). Cytogenetic location: 9q34.11.
Variant type: Deletion.
Coding change: c.694_699del on transcript NM_001114753.3 (MANE Select); coding-DNA positions 694 to 699, 6 bases deleted (CGGACG; older notation c.694_699delCGGACG).
Protein change: p.Arg232_Thr233del.
Molecular consequence: inframe deletion. On other transcripts: inframe indel (3).
Genome position (GRCh38, 1-based): chr9:127,825,348-127,825,353, CGTCCG deleted on the plus strand (CGGACG on the coding strand, the reverse complement: ENG is on the minus strand). VCF-style (leftmost placement, unchanged base first): chr9-127825347-CCGTCCG-C. GRCh37 (hg19) VCF-style: chr9-130587626-CCGTCCG-C.
Other names: c.694_699del6 (NM_001114753.2); c.694_699del (NM_000118.2); c.694_699delCGGACG, p.Arg232_Thr233del (NM_000118.4, NM_001406715.1); c.148_153del, p.Arg50_Thr51del (NM_001278138.2).
Identifiers: ClinVar variation 1163503 (VCV001163503.14), dbSNP rs2131888057, ClinGen allele CA2499219642.